The following is an entry in ClinVar:

ClinVar aggregate classification (germline): Uncertain significance. Review status: criteria provided, multiple submitters, no conflicts (2 of 4 stars). 2 submissions from 2 submitters: Uncertain significance (2). Last evaluated 2025-01-30.

Allele frequency attached by ClinVar (database versions not stated): gnomAD 0.00006 and 0.00010; TOPMed 0.00006; gnomAD exomes 0.00007; ExAC 0.00009; 1000 Genomes Project 30x 0.00031; 1000 Genomes Project 0.00040.
gnomAD v4.1: 66 of 1,612,214 alleles (0.0041%); highest among the groups gnomAD compares: South Asian, 0.043%; no homozygotes.

Submissions (2):

Labcorp Genetics (formerly Invitae), Labcorp
Classification: Uncertain significance. Last evaluated: 2025-01-30. Review status: criteria provided, single submitter. Criteria: Invitae Variant Classification Sherloc (09022015). Collection method: clinical testing. Allele origin: germline.
Comment: This sequence change replaces arginine, which is basic and polar, with serine, which is neutral and polar, at codon 76 of the NPPC protein (p.Arg76Ser). This variant is present in population databases (rs567706152, gnomAD 0.04%), and has an allele count higher than expected for a pathogenic variant. This variant has not been reported in the literature in individuals affected with NPPC-related conditions. ClinVar contains an entry for this variant (Variation ID: 1446497). An algorithm developed to predict the effect of missense changes on protein structure and function (PolyPhen-2) suggests that this variant is likely to be tolerated. In summary, the available evidence is currently insufficient to determine the role of this variant in disease. Therefore, it has been classified as a Variant of Uncertain Significance.

Ambry Genetics
Classification: Uncertain significance. Last evaluated: 2024-07-31. Review status: criteria provided, single submitter. Criteria: Ambry Variant Classification Scheme 2023. Collection method: clinical testing. Allele origin: germline.

NM_024409.4(NPPC):c.226C>A (p.Arg76Ser)

Gene: NPPC (natriuretic peptide C; minus strand). Cytogenetic location: 2q37.1.
Variant type: single nucleotide variant.
Coding change: c.226C>A on transcript NM_024409.4 (MANE Select); coding-DNA position 226, C replaced by A.
Protein change: p.Arg76Ser; replaces arginine 76 with serine.
Molecular consequence: missense variant.
Genome position (GRCh38, 1-based): chr2:231,925,580, G>T on the plus strand (C>A on the coding strand, the complement: NPPC is on the minus strand). VCF-style: chr2-231925580-G-T. GRCh37 (hg19) VCF-style: chr2-232790290-G-T.
Other names: c.226C>A (NM_024409.2); short protein forms R76S.
Identifiers: ClinVar variation 1446497 (VCV001446497.7), dbSNP rs567706152, ClinGen allele CA2163625.
Genomic context (GRCh38, chr2:231,925,580, plus strand): 5'-GCGCGTTGGGGTGCTCTTGCAGAAGGCGAGCCCACGCTGCCCGCGACTTGGTGTCCACGC[G>T]CAGGTCCCGGAGCAGTCGCGACCGGTCGCCCTTGAGATTGGCGCCCCCGCCCCCGGGAGC-3'
Protein context (NP_077720.1, residues 66-86): GDRSRLLRDL[Arg76Ser]VDTKSRAAWA